The following is an entry in ClinVar:

NM_000704.3(ATP4A):c.2531A>G (p.His844Arg)

Gene: ATP4A (ATPase H+/K+ transporting subunit alpha; minus strand). Cytogenetic location: 19q13.12.
Variant type: single nucleotide variant.
Coding change: c.2531A>G on transcript NM_000704.3 (MANE Select); coding-DNA position 2531, A replaced by G.
Protein change: p.His844Arg; replaces histidine 844 with arginine.
Molecular consequence: missense variant.
Genome position (GRCh38, 1-based): chr19:35,553,780, T>C on the plus strand (A>G on the coding strand, the complement: ATP4A is on the minus strand). VCF-style: chr19-35553780-T-C. GRCh37 (hg19) VCF-style: chr19-36044682-T-C.
Other names: short protein forms H844R.
Identifiers: ClinVar variation 4693446 (VCV004693446.1).

ClinVar aggregate classification (germline): Uncertain significance (1 of 4 stars; one submission).

gnomAD v4.1: 3 of 1,608,838 alleles (0.00019%); highest among the groups gnomAD compares: Non-Finnish European, 0.00025%; no homozygotes.

Submission:

Labcorp Genetics (formerly Invitae), Labcorp
Classification: Uncertain significance. Last evaluated: 2025-03-27. Review status: criteria provided, single submitter. Criteria: Invitae Variant Classification Sherloc (09022015). Collection method: clinical testing. Allele origin: germline.
Comment: This sequence change replaces histidine, which is basic and polar, with arginine, which is basic and polar, at codon 844 of the ATP4A protein (p.His844Arg). This variant is not present in population databases (gnomAD no frequency). This variant has not been reported in the literature in individuals affected with ATP4A-related conditions. Invitae Evidence Modeling of protein sequence and biophysical properties (such as structural, functional, and spatial information, amino acid conservation, physicochemical variation, residue mobility, and thermodynamic stability) indicates that this missense variant is not expected to disrupt ATP4A protein function with a negative predictive value of 80%. In summary, the available evidence is currently insufficient to determine the role of this variant in disease. Therefore, it has been classified as a Variant of Uncertain Significance.